The following is an entry in ClinVar:

NM_004168.4(SDHA):c.932G>A (p.Cys311Tyr)

Gene: SDHA (succinate dehydrogenase complex flavoprotein subunit A; plus strand). Cytogenetic location: 5p15.33.
Variant type: single nucleotide variant.
Coding change: c.932G>A on transcript NM_004168.4 (MANE Select); coding-DNA position 932, G replaced by A.
Protein change: p.Cys311Tyr; replaces cysteine 311 with tyrosine.
Molecular consequence: missense variant.
Genome position (GRCh38, 1-based): chr5:233,513, G>A. VCF-style: chr5-233513-G-A. GRCh37 (hg19) VCF-style: chr5-233628-G-A.
Other names: c.788G>A, p.Cys263Tyr (NM_001294332.2); c.932G>A, p.Cys311Tyr (NM_001330758.2); short protein forms C311Y, C263Y.
Identifiers: ClinVar variation 2561182 (VCV002561182.3), dbSNP rs1735548552, ClinGen allele CA359012597.

ClinVar aggregate classification (germline): Uncertain significance (1 of 4 stars; one submission).

Conditions:
Hereditary cancer-predisposing syndrome. Also called: Hereditary Cancer Syndrome; Hereditary neoplastic syndrome; Neoplastic Syndromes, Hereditary; Tumor predisposition. Identifiers: Orphanet 140162, MedGen C0027672, MeSH D009386, MONDO:0015356.

Submission:

Ambry Genetics
Classification: Uncertain significance for Hereditary cancer-predisposing syndrome. Last evaluated: 2026-06-16. Review status: criteria provided, single submitter. Criteria: Ambry Variant Classification Scheme 2023. Collection method: clinical testing. Allele origin: germline.
Comment: The p.C311Y variant (also known as c.932G>A), located in coding exon 8 of the SDHA gene, results from a G to A substitution at nucleotide position 932. The cysteine at codon 311 is replaced by tyrosine, an amino acid with highly dissimilar properties. This amino acid position is highly conserved in available vertebrate species. In addition, this alteration is predicted to be deleterious by in silico analysis. Based on the available evidence, the clinical significance of this variant remains unclear.